The following is an entry in ClinVar:

ClinVar aggregate classification (germline): Uncertain significance (1 of 4 stars; one submission).

Submission:

CeGaT Center for Human Genetics Tuebingen
Classification: Uncertain significance. Last evaluated: 2025-11-01. Review status: criteria provided, single submitter. Criteria: CeGaT Center For Human Genetics Tuebingen Variant Classification Criteria Version 2. Collection method: clinical testing. Allele origin: germline. Affected: yes. Observed: 1 variant allele.
Comment: SIK1: PM2

NM_173354.5(SIK1):c.-15+5_-15+13del

Gene: SIK1 (salt inducible kinase 1; minus strand). Cytogenetic location: 21q22.3.
Variant type: Deletion.
Coding change: c.-15+5_-15+13del on transcript NM_173354.5 (MANE Select); bases 5 to 13 of the intron after 15 bases upstream of the start codon, 9 bases deleted (GGCGGCGGC; older notation c.-15+5_-15+13delGGCGGCGGC).
Molecular consequence: intron variant.
Genome position (GRCh38, 1-based): chr21:43,426,997-43,427,005, GCCGCCGCC deleted on the plus strand (GGCGGCGGC on the coding strand, the reverse complement: SIK1 is on the minus strand). VCF-style (leftmost placement, unchanged base first): chr21-43426996-TGCCGCCGCC-T. GRCh37 (hg19) VCF-style: chr21-44846876-TGCCGCCGCC-T.
Identifiers: ClinVar variation 4681772 (VCV004681772.5).